The following is an entry in ClinVar:

NM_000138.5(FBN1):c.3382G>A (p.Val1128Ile)

Gene: FBN1 (fibrillin 1; minus strand). Cytogenetic location: 15q21.1.
Variant type: single nucleotide variant.
Coding change: c.3382G>A on transcript NM_000138.5 (MANE Select); coding-DNA position 3382, G replaced by A.
Protein change: p.Val1128Ile; replaces valine 1128 with isoleucine.
Molecular consequence: missense variant.
Genome position (GRCh38, 1-based): chr15:48,487,393, C>T on the plus strand (G>A on the coding strand, the complement: FBN1 is on the minus strand). VCF-style: chr15-48487393-C-T. GRCh37 (hg19) VCF-style: chr15-48779590-C-T.
Other names: c.3382G>A, p.Val1128Ile (NM_001406716.1); short protein forms V1128I.
Identifiers: ClinVar variation 3386817 (VCV003386817.1).

ClinVar aggregate classification (germline): Uncertain significance (1 of 4 stars; one submission).

Conditions:
Marfan syndrome (MFS). Also called: MARFAN SYNDROME, TYPE I; Marfan syndrome type 1; Marfan's syndrome; FBN1-Related Marfan Syndrome; Marfan syndrome, classic. Identifiers: Orphanet 284963, Orphanet 558, MedGen C0024796, MONDO:0007947, OMIM 154700.

gnomAD v4.1: 1 of 1,614,174 alleles (0.000062%); highest among the groups gnomAD compares: Non-Finnish European, 0.000085%; no homozygotes.

Submission:

All of Us Research Program, National Institutes of Health
Classification: Uncertain significance for Marfan syndrome. Last evaluated: 2024-08-06. Review status: criteria provided, single submitter. Criteria: ACMG Guidelines, 2015. Collection method: clinical testing. Allele origin: germline. Inheritance: Autosomal dominant inheritance. Observed: 2 variant alleles, 2 heterozygotes.
Comment: This missense variant replaces valine with isoleucine at codon 1128 of the FBN1 protein. Computational prediction is inconclusive regarding the impact of this variant on protein structure and function (internally defined REVEL score threshold 0.5 < inconclusive < 0.7, PMID: 27666373). To our knowledge, functional studies have not been reported for this variant. This variant has been reported in an individual suspected of having Marfan syndrome (PMID: 11700157) and in an individual affected with thoracic aortic aneurysm (PMID: 28659821) affected with FBN1-related disorders in the literature. This variant has not been identified in the general population by the Genome Aggregation Database (gnomAD). The available evidence is insufficient to determine the role of this variant in disease conclusively. Therefore, this variant is classified as a Variant of Uncertain Significance.

This study involves interpretation of variants in research participants for the purpose of population health screening. Participant phenotype was not available at the time of variant classification. Additional details can be found in publication PMID: 35346344, PMCID: PMC8962531

Literature cited by the submitters: PubMed 11700157; PubMed 28659821.